The following is an entry in ClinVar:

NM_001128205.2(SULF1):c.1885G>C (p.Glu629Gln)

Gene: SULF1 (sulfatase 1; plus strand). Cytogenetic location: 8q13.3.
Variant type: single nucleotide variant.
Coding change: c.1885G>C on transcript NM_001128205.2 (MANE Select); coding-DNA position 1885, G replaced by C.
Protein change: p.Glu629Gln; replaces glutamic acid 629 with glutamine.
Molecular consequence: missense variant. On other transcripts: non-coding transcript variant (7).
Genome position (GRCh38, 1-based): chr8:69,627,244, G>C. VCF-style: chr8-69627244-G-C. GRCh37 (hg19) VCF-style: chr8-70539479-G-C.
Other names: c.1885G>C, p.Glu629Gln (NM_001128204.2, NM_001128206.2, NM_001412828.1 and 10 more transcripts); c.1756G>C, p.Glu586Gln (NM_001412832.1, NM_001412838.1, NM_001412839.1 and 1 more transcripts); c.1828G>C, p.Glu610Gln (NM_001412836.1, NM_001412837.1); c.1699G>C, p.Glu567Gln (NM_001412841.1, NM_001412842.1); c.1285G>C, p.Glu429Gln (NM_001412844.1, NM_001412845.1); c.94G>C, p.Glu32Gln (NM_001412846.1); short protein forms E429Q, E567Q, E610Q, E32Q, E586Q, E629Q.
Identifiers: ClinVar variation 2898564 (VCV002898564.3), dbSNP rs745925177, ClinGen allele CA178307177.
Genomic context (GRCh38, chr8:69,627,244, plus strand): 5'-TCACATGGTTTTGGTTTGTTTTGCAGGTGTTTTATTCTTCCCAATGACTCTATCCATTGT[G>C]AGAGAGAACTGTACCAATCGGCCAGAGCGTGGAAGGACCATAAGGCATACATTGACAAAG-3'
Protein context (NP_001121677.1, residues 619-639): FILPNDSIHC[Glu629Gln]RELYQSARAW

ClinVar aggregate classification (germline): Uncertain significance (1 of 4 stars; one submission).

Allele frequency attached by ClinVar (database versions not stated): TOPMed 0.00002; gnomAD 0.00003; gnomAD exomes 0.00003.
gnomAD v4.1: 46 of 1,613,984 alleles (0.0029%); highest among the groups gnomAD compares: Non-Finnish European, 0.0036%; no homozygotes.

Submission:

Labcorp Genetics (formerly Invitae), Labcorp
Classification: Uncertain significance. Last evaluated: 2022-11-18. Review status: criteria provided, single submitter. Criteria: Invitae Variant Classification Sherloc (09022015). Collection method: clinical testing. Allele origin: germline.
Comment: In summary, the available evidence is currently insufficient to determine the role of this variant in disease. Therefore, it has been classified as a Variant of Uncertain Significance. Algorithms developed to predict the effect of missense changes on protein structure and function are either unavailable or do not agree on the potential impact of this missense change (SIFT: "Tolerated"; PolyPhen-2: "Possibly Damaging"; Align-GVGD: "Class C0"). This variant has not been reported in the literature in individuals affected with SULF1-related conditions. This variant is present in population databases (rs745925177, gnomAD 0.004%). This sequence change replaces glutamic acid, which is acidic and polar, with glutamine, which is neutral and polar, at codon 629 of the SULF1 protein (p.Glu629Gln).